The following is an entry in ClinVar:

ClinVar aggregate classification (germline): Pathogenic/Likely pathogenic. Review status: criteria provided, multiple submitters, no conflicts (2 of 4 stars). 19 submissions from 19 submitters: Pathogenic (15); Likely pathogenic (3). 1 of the submissions does not count toward it. Last evaluated 2026-06-01.

Conditions:
AARS2-related disorder. Also called: AARS2-related disorders; AARS2-related condition. Identifiers: MedGen CN381518, MONDO:1060240.
Leukoencephalopathy, progressive, with ovarian failure (LKENP). Identifiers: Orphanet 99853, MedGen C4014588, MONDO:0014387, OMIM 615889.
Combined oxidative phosphorylation defect type 8. Also called: CARDIOMYOPATHY, HYPERTROPHIC MITOCHONDRIAL, FATAL INFANTILE. Identifiers: Orphanet 319504, MedGen C4518839, MONDO:0013570, OMIM 614096.
Inborn genetic diseases. Identifiers: MedGen C0950123, MeSH D030342.
Mitochondrial disease. Also called: Mitochondrial disorder; Mitochondrial disorders. Identifiers: Orphanet 68380, MedGen C0751651, MeSH D028361, MONDO:0044970.
Pulmonary hypoplasia. Identifiers: MedGen C0265783, MONDO:0800133, HP:0002089.

Allele frequency attached by ClinVar (database versions not stated): gnomAD exomes 0.00021; ESP Exome Variant Server 0.00023; gnomAD 0.00025 and 0.00020; ExAC 0.00027; TOPMed 0.00020.
gnomAD v4.1: 399 of 1,614,004 alleles (0.025%); highest among the groups gnomAD compares: Non-Finnish European, 0.03%; no homozygotes.

Submissions 1 to 11 of 19:

CeGaT Center for Human Genetics Tuebingen
Classification: Likely pathogenic. Last evaluated: 2026-06-01. Review status: criteria provided, single submitter. Criteria: CeGaT Center For Human Genetics Tuebingen Variant Classification Criteria Version 2. Collection method: clinical testing. Allele origin: germline. Affected: yes. Observed: 5 variant alleles.
Comment: AARS2: PM3:Very Strong, PM2, BP4

PreventionGenetics, part of Exact Sciences
Classification: Pathogenic for AARS2-related condition. Last evaluated: 2026-01-03. Review status: criteria provided, single submitter. Criteria: ACMG Guidelines, 2015. Collection method: clinical testing. Allele origin: germline.
Comment: The AARS2 c.1774C>T variant is predicted to result in the amino acid substitution p.Arg592Trp. This variant has been reported in the homozygous or compound heterozygous state in multiple unrelated patients with infantile mitochondrial cardiomyopathy with combined oxidative phosphorylation deficiency (Gotz et al., 2011. PubMed ID: 21549344; Table 3, Calvo et al. 2012. PubMed ID: 22277967; eTable 1, Taylor et al. 2014. PubMed ID: 25058219; Supplementary table MOESM3, Kamps et al. 2018. PubMed ID: 29440775) and other AARS2-related disorders (Kiraly-Borri et al. 2019. PubMed ID: 30819764). This variant is reported in 0.040% of alleles in individuals of European (Non-Finnish) descent in gnomAD and is interpreted as likely pathogenic/pathogenic in ClinVar (Variation ID: 30940). This variant is interpreted as pathogenic.

Labcorp Genetics (formerly Invitae), Labcorp
Classification: Pathogenic. Last evaluated: 2025-10-06. Review status: criteria provided, single submitter. Criteria: Invitae Variant Classification Sherloc (09022015). Collection method: clinical testing. Allele origin: germline.
Comment: This sequence change replaces arginine, which is basic and polar, with tryptophan, which is neutral and slightly polar, at codon 592 of the AARS2 protein (p.Arg592Trp). This variant is present in population databases (rs138119149, gnomAD 0.04%). This missense change has been observed in individuals with infantile mitochondrial cardiomyopathy with combined oxidative phosphorylation deficiency (PMID: 21549344, 22277967, 25058219, 25705216). It has also been observed to segregate with disease in related individuals. This missense change is located in the editing domain of mitochondrial alanyl-tRNA synthetase and structural modeling suggests that this variant severely compromises aminoacylation activity (PMID: 25705216, 21549344, 25058219, 22277967). ClinVar contains an entry for this variant (Variation ID: 30940). Invitae Evidence Modeling of protein sequence and biophysical properties (such as structural, functional, and spatial information, amino acid conservation, physicochemical variation, residue mobility, and thermodynamic stability) indicates that this missense variant is expected to disrupt AARS2 protein function with a positive predictive value of 80%. For these reasons, this variant has been classified as Pathogenic.

Genomic Medicine Center of Excellence, King Faisal Specialist Hospital and Research Centre
Classification: Likely pathogenic for Leukoencephalopathy, progressive, with ovarian failure. Last evaluated: 2025-09-10. Review status: criteria provided, single submitter. Criteria: ACMG Guidelines, 2015. Collection method: clinical testing. Allele origin: germline.

Women's Health and Genetics/Laboratory Corporation of America, LabCorp
Classification: Pathogenic for AARS2-Related Disorders. Last evaluated: 2025-03-19. Review status: criteria provided, single submitter. Criteria: LabCorp Variant Classification Summary - May 2015. Collection method: clinical testing. Allele origin: germline.
Comment: Variant summary: AARS2 c.1774C>T (p.Arg592Trp) results in a non-conservative amino acid change located in the Alanyl-tRNA synthetase, class IIc, core domain (IPR018165) of the encoded protein sequence. Three of five in-silico tools predict a damaging effect of the variant on protein function. The variant allele was found at a frequency of 0.00021 in 250804 control chromosomes. This frequency is not significantly higher than estimated for a pathogenic variant in AARS2 causing AARS2-Related Disorders, allowing no conclusion about variant significance. c.1774C>T has been reported in the literature in multiple individuals affected with AARS2-Related Disorders (Gtz_2011, Taylor_2014). These data indicate that the variant is very likely to be associated with disease. To our knowledge, no experimental evidence demonstrating an impact on protein function has been reported. The following publications have been ascertained in the context of this evaluation (PMID: 21549344, 25058219). ClinVar contains an entry for this variant (Variation ID: 30940). Based on the evidence outlined above, the variant was classified as pathogenic.

Blueprint Genetics
Classification: Pathogenic for AARS2-related disorders. Last evaluated: 2024-11-18. Review status: criteria provided, single submitter. Criteria: ACMG Guidelines, 2015. Collection method: clinical testing. Allele origin: germline. Affected: yes. Observed: 5 variant alleles.

Molecular Genetics, Royal Melbourne Hospital
Classification: Pathogenic for Mitochondrial disease. Last evaluated: 2024-07-04. Review status: criteria provided, single submitter. Criteria: ACMG Guidelines, 2015. Collection method: clinical testing. Allele origin: germline. Inheritance: Autosomal recessive inheritance.
Comment: This sequence change in AARS2 is predicted to replace arginine with tryptophan at codon 592, p.(Arg592Trp). The arginine residue is weakly conserved (100 vertebrates, Multiz Alignments), and is located in the editing domain (PMID: 25705216). There is a large physicochemical difference between arginine and tryptophan. The highest population minor allele frequency in the population database gnomAD v4.1 is 0.7% (6/912 alleles) in the Amish population. However, the highest non-bottleneck population minor allele frequency is 0.03% (349/1,180,012 alleles) in the European (non-Finnish) population which is consistent with recessive disease. This variant has been detected homozygous and compound heterozygous with a second allele (at least one confirmed in trans) in multiple individuals with phenotypes consistent with mitochondrial disease and segregates with disease in multiple families (PMID: 21549344, 22277967, 25058219, 29440775, 30819764). Computational evidence is uninformative for the missense substitution (REVEL = 0.47). Based on the classification scheme RMH Modified ACMG/AMP Guidelines v1.6.1, this variant is classified as PATHOGENIC. Following criteria are met: PM3_VeryStrong, PM2_Supporting, PP1_Strong.

GeneDx
Classification: Pathogenic. Last evaluated: 2023-04-19. Review status: criteria provided, single submitter. Criteria: GeneDx Variant Classification Process June 2021. Collection method: clinical testing. Allele origin: germline. Affected: yes.
Comment: In silico analysis supports that this missense variant has a deleterious effect on protein structure/function; This variant is associated with the following publications: (PMID: 25058219, 27251004, 27839525, 28822227, 21549344, 22277967, 24808023, 25705216, 29440775, 30952159, 31980526, 30819764, 31589614, 32938192, 33726816, 34088003)

Institute of Human Genetics, Heidelberg University
Classification: Pathogenic for Combined oxidative phosphorylation defect type 8. Last evaluated: 2022-12-16. Review status: criteria provided, single submitter. Criteria: ACMG Variant Classification, Richards et al., 2015, Genet Med. Collection method: clinical testing. Allele origin: germline. Affected: yes.

Revvity Omics, Revvity
Classification: Pathogenic. Last evaluated: 2022-11-08. Review status: criteria provided, single submitter. Criteria: ACMG Guidelines, 2015. Collection method: clinical testing. Allele origin: germline.

3billion
Classification: Pathogenic for Combined oxidative phosphorylation defect type 8. Last evaluated: 2022-05-22. Review status: criteria provided, single submitter. Criteria: ACMG Guidelines, 2015. Collection method: clinical testing. Allele origin: germline. Affected: yes. Observed: 1 heterozygote.
Comment: The variant is observed at an extremely low frequency in the gnomAD v2.1.1 dataset (total allele frequency: 0.023%). Same nucleotide change resulting in same amino acid change has been previously reported as pathogenic/likely pathogenic with strong evidence (ClinVar ID: VCV000030940). The variant has been observed in multiple (>3) similarly affected unrelated individuals (PMID:21549344, 22277967, 25058219, 25705216, 29440775). The variant has been reported to be in trans with a pathogenic variant as either compound heterozygous or homozygous in at least 2 similarly affected unrelated individuals (PMID: 25058219, 25705216, 29440775). Therefore, this variant is classified as pathogenic according to the recommendation of ACMG/AMP guideline.

NM_020745.4(AARS2):c.1774C>T (p.Arg592Trp)

Gene: AARS2 (alanyl-tRNA synthetase 2, mitochondrial; minus strand). Cytogenetic location: 6p21.1.
Variant type: single nucleotide variant.
Coding change: c.1774C>T on transcript NM_020745.4 (MANE Select); coding-DNA position 1774, C replaced by T.
Protein change: p.Arg592Trp; replaces arginine 592 with tryptophan.
Molecular consequence: missense variant.
Genome position (GRCh38, 1-based): chr6:44,304,512, G>A on the plus strand (C>T on the coding strand, the complement: AARS2 is on the minus strand). VCF-style: chr6-44304512-G-A. GRCh37 (hg19) VCF-style: chr6-44272249-G-A.
Other names: AARS2, ARG592TRP (rs138119149); p.R592W:CGG>TGG; short protein forms R592W.
Identifiers: ClinVar variation 30940 (VCV000030940.73), dbSNP rs138119149, ClinGen allele CA129552.